The following is an entry in ClinVar:

ClinVar aggregate classification (germline): Uncertain significance. Review status: criteria provided, multiple submitters, no conflicts (2 of 4 stars). 3 submissions from 3 submitters: Uncertain significance (3). Last evaluated 2025-09-02.

Conditions:
Cone-rod dystrophy 7 (CORD7). Identifiers: Orphanet 1872, MedGen C1863634, MONDO:0011355, OMIM 603649.

Allele frequency attached by ClinVar (database versions not stated): ExAC below 0.00001; TOPMed 0.00004; gnomAD exomes 0.00002 and 0.00001; gnomAD 0.00004.
gnomAD v4.1: 21 of 1,565,068 alleles (0.0013%); highest among the groups gnomAD compares: African/African-American, 0.016%; no homozygotes.

Submissions (3):

Labcorp Genetics (formerly Invitae), Labcorp
Classification: Uncertain significance. Last evaluated: 2025-09-02. Review status: criteria provided, single submitter. Criteria: Invitae Variant Classification Sherloc (09022015). Collection method: clinical testing. Allele origin: germline.
Comment: This sequence change replaces serine, which is neutral and polar, with leucine, which is neutral and non-polar, at codon 1262 of the RIMS1 protein (p.Ser1262Leu). The frequency data for this variant in the population databases is considered unreliable, as metrics indicate poor data quality at this position in the gnomAD database. This variant has not been reported in the literature in individuals affected with RIMS1-related conditions. ClinVar contains an entry for this variant (Variation ID: 498460). An algorithm developed to predict the effect of missense changes on protein structure and function (PolyPhen-2) suggests that this variant is likely to be tolerated. In summary, the available evidence is currently insufficient to determine the role of this variant in disease. Therefore, it has been classified as a Variant of Uncertain Significance.

Illumina Laboratory Services, Illumina
Classification: Uncertain significance for Cone-rod dystrophy 7. Last evaluated: 2018-01-13. Review status: criteria provided, single submitter. Criteria: ICSL Variant Classification Criteria 13 December 2019. Collection method: clinical testing. Allele origin: germline.

Eurofins Ntd Llc (ga)
Classification: Uncertain significance. Last evaluated: 2016-12-01. Review status: criteria provided, single submitter. Criteria: EGL Classification Definitions 2015. Collection method: clinical testing. Allele origin: germline. Observed: 1 variant allele, 1 heterozygote.

NM_014989.7(RIMS1):c.3785C>T (p.Ser1262Leu)

Gene: RIMS1 (regulating synaptic membrane exocytosis 1; plus strand). Cytogenetic location: 6q13.
Variant type: single nucleotide variant.
Coding change: c.3785C>T on transcript NM_014989.7 (MANE Select); coding-DNA position 3785, C replaced by T.
Protein change: p.Ser1262Leu; replaces serine 1262 with leucine.
Molecular consequence: missense variant.
Genome position (GRCh38, 1-based): chr6:72,291,981, C>T. VCF-style: chr6-72291981-C-T. GRCh37 (hg19) VCF-style: chr6-73001684-C-T.
Other names: c.1745C>T, p.Ser582Leu (NM_001168407.2, NM_001350422.2); c.1676C>T, p.Ser559Leu (NM_001168408.2, NM_001350414.2, NM_001350430.2 and 2 more transcripts); c.1505C>T, p.Ser502Leu (NM_001168409.2, NM_001350469.2); c.1703C>T, p.Ser568Leu (NM_001168410.2); c.1829C>T, p.Ser610Leu (NM_001350415.2, NM_001350445.2); c.1748C>T, p.Ser583Leu (NM_001350416.2, NM_001350417.2, NM_001350448.2); c.1751C>T, p.Ser584Leu (NM_001350418.2); c.1520C>T, p.Ser507Leu (NM_001350419.2, NM_001350423.2, NM_001350444.2); and 31 more; short protein forms S1262L, S451L, S501L, S528L, S536L, S558L, S560L, S565L.
Identifiers: ClinVar variation 498460 (VCV000498460.16), dbSNP rs757548948, ClinGen allele CA3886355.